The following is an entry in ClinVar:

ClinVar aggregate classification (germline): Uncertain significance. Review status: criteria provided, multiple submitters, no conflicts (2 of 4 stars). 4 submissions from 4 submitters: Uncertain significance (4). Last evaluated 2025-11-06.

Conditions:
UBQLN2-related disorder. Also called: UBQLN2-related condition.
Amyotrophic lateral sclerosis type 15. Also called: AMYOTROPHIC LATERAL SCLEROSIS 15 WITH FRONTOTEMPORAL DEMENTIA. Identifiers: Orphanet 803, MedGen C3275459, MONDO:0010459, OMIM 300857.

Allele frequency attached by ClinVar (database versions not stated): gnomAD exomes 0.00001; gnomAD 0.00002; TOPMed 0.00002.
gnomAD v4.1: 12 of 1,206,568 alleles (0.00099%); highest among the groups gnomAD compares: Non-Finnish European, 0.0013%; no homozygotes.

Submissions (4):

Ambry Genetics
Classification: Uncertain significance. Last evaluated: 2025-11-06. Review status: criteria provided, single submitter. Criteria: Ambry Variant Classification Scheme 2023. Collection method: clinical testing. Allele origin: germline.

PreventionGenetics, part of Exact Sciences
Classification: Uncertain significance for UBQLN2-related condition. Last evaluated: 2025-05-30. Review status: criteria provided, single submitter. Criteria: ACMG Guidelines, 2015. Collection method: clinical testing. Allele origin: germline.
Comment: The UBQLN2 c.1474G>C variant is predicted to result in the amino acid substitution p.Val492Leu. To our knowledge, this variant has not been reported in the literature. This variant is reported in 0.0027% of alleles in individuals of European (non-Finnish) descent in gnomAD, including 1 hemizygote. At this time, the clinical significance of this variant is uncertain due to the absence of conclusive functional and genetic evidence.

Labcorp Genetics (formerly Invitae), Labcorp
Classification: Uncertain significance for Amyotrophic lateral sclerosis type 15. Last evaluated: 2024-01-23. Review status: criteria provided, single submitter. Criteria: Invitae Variant Classification Sherloc (09022015). Collection method: clinical testing. Allele origin: germline.
Comment: This sequence change replaces valine, which is neutral and non-polar, with leucine, which is neutral and non-polar, at codon 492 of the UBQLN2 protein (p.Val492Leu). This variant is present in population databases (rs756653207, gnomAD 0.003%), including at least one homozygous and/or hemizygous individual. This variant has not been reported in the literature in individuals affected with UBQLN2-related conditions. ClinVar contains an entry for this variant (Variation ID: 448848). An algorithm developed to predict the effect of missense changes on protein structure and function (PolyPhen-2) suggests that this variant is likely to be tolerated. In summary, the available evidence is currently insufficient to determine the role of this variant in disease. Therefore, it has been classified as a Variant of Uncertain Significance.

Athena Diagnostics
Classification: Uncertain significance. Last evaluated: 2017-02-16. Review status: criteria provided, single submitter. Criteria: Athena Diagnostics Criteria. Collection method: clinical testing. Allele origin: germline.

NM_013444.4(UBQLN2):c.1474G>C (p.Val492Leu)

Gene: UBQLN2 (ubiquilin 2; plus strand). Cytogenetic location: Xp11.21.
Variant type: single nucleotide variant.
Coding change: c.1474G>C on transcript NM_013444.4 (MANE Select); coding-DNA position 1474, G replaced by C.
Protein change: p.Val492Leu; replaces valine 492 with leucine.
Molecular consequence: missense variant.
Genome position (GRCh38, 1-based): chrX:56,565,347, G>C. VCF-style: chrX-56565347-G-C. GRCh37 (hg19) VCF-style: chrX-56591780-G-C.
Other names: short protein forms V492L.
Identifiers: ClinVar variation 448848 (VCV000448848.7), dbSNP rs756653207, ClinGen allele CA10430175.